The following is an entry in ClinVar:

NM_001145809.2(MYH14):c.543C>T (p.Ala181=)

Gene: MYH14 (myosin heavy chain 14; plus strand). Cytogenetic location: 19q13.33.
Variant type: single nucleotide variant.
Coding change: c.543C>T on transcript NM_001145809.2 (MANE Select); coding-DNA position 543, C replaced by T.
Protein change: p.Ala181=; no amino-acid change (alanine 181 retained).
Molecular consequence: synonymous variant.
Genome position (GRCh38, 1-based): chr19:50,217,752, C>T. VCF-style: chr19-50217752-C-T. GRCh37 (hg19) VCF-style: chr19-50721009-C-T.
Other names: c.543C>T, p.Ala181= (NM_001077186.2, NM_024729.4); c.543C>T (NM_001145809.1).
Identifiers: ClinVar variation 329907 (VCV000329907.7), dbSNP rs746669662, ClinGen allele CA9592284.

ClinVar aggregate classification (germline): Likely benign (0 of 4 stars; one submission).

Conditions:
MYH14-related disorder. Also called: MYH14-related condition.

Allele frequency attached by ClinVar (database versions not stated): gnomAD exomes 0.00002 and 0.00003; ExAC 0.00003; gnomAD 0.00004 and 0.00005; TOPMed 0.00004.
gnomAD v4.1: 42 of 1,613,656 alleles (0.0026%); highest among the groups gnomAD compares: Non-Finnish European, 0.0033%; no homozygotes.

Submission:

PreventionGenetics, part of Exact Sciences
Classification: Likely benign for MYH14-related condition. Last evaluated: 2021-01-28. Review status: no assertion criteria provided. Collection method: clinical testing. Allele origin: germline.
Comment: This variant is classified as likely benign based on ACMG/AMP sequence variant interpretation guidelines (Richards et al. 2015 PMID: 25741868, with internal and published modifications).